The following is an entry in ClinVar:

ClinVar aggregate classification (germline): Conflicting classifications of pathogenicity. Review status: criteria provided, conflicting classifications (1 of 4 stars). 2 submissions from 2 submitters: Uncertain significance (1); Likely benign (1). Last evaluated 2025-09-01.

Submissions (2):

CeGaT Center for Human Genetics Tuebingen
Classification: Likely benign. Last evaluated: 2025-09-01. Review status: criteria provided, single submitter. Criteria: CeGaT Center For Human Genetics Tuebingen Variant Classification Criteria Version 2. Collection method: clinical testing. Allele origin: germline. Affected: yes. Observed: 2 variant alleles.
Comment: KDM1A: BP3

Labcorp Genetics (formerly Invitae), Labcorp
Classification: Uncertain significance. Last evaluated: 2024-08-11. Review status: criteria provided, single submitter. Criteria: Invitae Variant Classification Sherloc (09022015). Collection method: clinical testing. Allele origin: germline.
Comment: This variant, c.39_41dup, results in the insertion of 1 amino acid(s) of the KDM1A protein (p.Ala18dup), but otherwise preserves the integrity of the reading frame. This variant is present in population databases (no rsID available, gnomAD 0.002%). This variant has not been reported in the literature in individuals affected with KDM1A-related conditions. In summary, the available evidence is currently insufficient to determine the role of this variant in disease. Therefore, it has been classified as a Variant of Uncertain Significance.

NM_001009999.3(KDM1A):c.30GGC[5] (p.Ala18dup)

Gene: KDM1A (lysine demethylase 1A; plus strand). Cytogenetic location: 1p36.12.
Variant type: Microsatellite.
Coding change: c.30GGC[5] on transcript NM_001009999.3 (MANE Select); five copies in a row of the 3-base unit GGC starting at c.30; the reference has four copies in a row; one copy, 3 bases duplicated.
Protein change: p.Ala18dup; duplicates alanine 18.
Molecular consequence: inframe insertion.
Genome position (GRCh38, 1-based): chr1:23,019,635-23,019,637, GGC duplicated; duplicating any 3 consecutive bases within chr1:23,019,624-23,019,637 gives the same sequence; the position shown is the placement nearest the transcript's 3' end. VCF-style (leftmost placement, unchanged base first): chr1-23019623-C-CGCG. GRCh37 (hg19) VCF-style: chr1-23346116-C-CGCG.
Other names: c.30GGC[5], p.Ala18dup (NM_001363654.2, NM_015013.4).
Identifiers: ClinVar variation 1675352 (VCV001675352.36), dbSNP rs765476443, ClinGen allele CA521902294.
Genomic context (GRCh38, chr1:23,019,623, plus strand): 5'-GCCCCTACGGCCGTCGGCGGCCCGGCGGCCCGAGATGTTATCTGGGAAGAAGGCGGCAGC[C>CGCG]GCGGCGGCGGCGGCTGCAGCGGCAGCAACCGGGACGGAGGCTGGCCCTGGGACAGCAGGC-3'